The following is an entry in ClinVar:

ClinVar aggregate classification (germline): Uncertain significance (1 of 4 stars; one submission).

Conditions:
COL4A6-related disorder. Also called: COL4A6-related condition.

gnomAD v4.1: 2 of 1,203,269 alleles (0.00017%); highest among the groups gnomAD compares: African/African-American, 0.0035%; no homozygotes.

Submission:

PreventionGenetics, part of Exact Sciences
Classification: Uncertain significance for COL4A6-related condition. Last evaluated: 2024-10-30. Review status: criteria provided, single submitter. Criteria: ACMG Guidelines, 2015. Collection method: clinical testing. Allele origin: germline.
Comment: The COL4A6 c.613-2A>G variant is predicted to disrupt the AG splice acceptor site and interfere with normal splicing. To our knowledge, this variant has not been reported in the literature or in a large population database (gnomAD), indicating this variant is rare. This gene is predicted to be intolerant of loss of function variants. Although we suspect that this variant may be pathogenic, at this time, the clinical significance of this variant is uncertain due to the absence of conclusive functional and genetic evidence.

NM_033641.4(COL4A6):c.610-2A>G

Gene: COL4A6 (collagen type IV alpha 6 chain; minus strand). Cytogenetic location: Xq22.3.
Variant type: single nucleotide variant.
Coding change: c.610-2A>G on transcript NM_033641.4 (MANE Select); the canonical splice acceptor site of the intron before coding-DNA position 610, A replaced by G.
Molecular consequence: splice acceptor variant.
Genome position (GRCh38, 1-based): chrX:108,205,697, T>C on the plus strand (A>G on the coding strand, the complement: COL4A6 is on the minus strand). VCF-style: chrX-108205697-T-C. GRCh37 (hg19) VCF-style: chrX-107448927-T-C.
Other names: c.613-2A>G (NM_001847.4, NM_001440759.1); c.610-2A>G (NM_001287760.2, NM_001287759.2, NM_001287758.2 and 1 more transcripts).
Identifiers: ClinVar variation 4983811 (VCV004983811.1).